The following is an entry in ClinVar:

NM_032043.3(BRIP1):c.40A>G (p.Lys14Glu)

Gene: BRIP1 (BRCA1 interacting DNA helicase 1; minus strand). Cytogenetic location: 17q23.2.
Variant type: single nucleotide variant.
Coding change: c.40A>G on transcript NM_032043.3 (MANE Select); coding-DNA position 40, A replaced by G.
Protein change: p.Lys14Glu; replaces lysine 14 with glutamic acid.
Molecular consequence: missense variant.
Genome position (GRCh38, 1-based): chr17:61,861,500, T>C on the plus strand (A>G on the coding strand, the complement: BRIP1 is on the minus strand). VCF-style: chr17-61861500-T-C. GRCh37 (hg19) VCF-style: chr17-59938861-T-C.
Other names: short protein forms K14E.
Identifiers: ClinVar variation 940601 (VCV000940601.10), dbSNP rs1555618727, ClinGen allele CA400486017.
Genomic context (GRCh38, chr17:61,861,500, plus strand): 5'-TACTTACAGAATTCATCATAGCAAGCTGTGACGGGTAAGCTTTATAAGGAAAGTAAATCT[T>C]CACCCCACCAATTGTATATTCAGACCACATTGAAGACATAGTGCTTTCCTGTTTATTTCA-3'
Protein context (NP_114432.2, residues 4-24): MWSEYTIGGV[Lys14Glu]IYFPYKAYPS

ClinVar aggregate classification (germline): Uncertain significance (1 of 4 stars; one submission).

Conditions:
Familial cancer of breast. Also called: hereditary breast carcinoma; BREAST CANCER, FAMILIAL; Hereditary breast cancer. Identifiers: Orphanet 227535, MedGen C0346153, MONDO:0016419, OMIM 114480. Disease mechanism: loss of function.
Fanconi anemia complementation group J. Also called: BRIP1-Related Fanconi Anemia. Identifiers: Orphanet 84, MedGen C1836860, MONDO:0012187, OMIM 609054.

Submission:

Labcorp Genetics (formerly Invitae), Labcorp
Classification: Uncertain significance for Familial cancer of breast; Fanconi anemia complementation group J. Last evaluated: 2019-05-29. Review status: criteria provided, single submitter. Criteria: Invitae Variant Classification Sherloc (09022015). Collection method: clinical testing. Allele origin: germline.
Comment: This variant is not present in population databases (ExAC no frequency). This sequence change replaces lysine with glutamic acid at codon 14 of the BRIP1 protein (p.Lys14Glu). The lysine residue is highly conserved and there is a small physicochemical difference between lysine and glutamic acid. This variant has not been reported in the literature in individuals with BRIP1-related disease. In summary, the available evidence is currently insufficient to determine the role of this variant in disease. Therefore, it has been classified as a Variant of Uncertain Significance. Algorithms developed to predict the effect of missense changes on protein structure and function (SIFT, PolyPhen-2, Align-GVGD) all suggest that this variant is likely to be tolerated, but these predictions have not been confirmed by published functional studies and their clinical significance is uncertain.